The following is an entry in ClinVar:

ClinVar aggregate classification (germline): Likely benign. Review status: criteria provided, multiple submitters, no conflicts (2 of 4 stars). 2 submissions from 2 submitters: Likely benign (2). Last evaluated 2024-08-14.

Conditions:
Developmental and epileptic encephalopathy, 1 (DEE1). Also called: OHTAHARA SYNDROME, X-LINKED; INFANTILE SPASM SYNDROME, X-LINKED 1; Epileptic encephalopathy, early infantile, 1; X-linked infantile spasms; West's syndrome; Tonic spasms with clustering, arrest of psychomotor development and hypsarrhythmia on EEG. Identifiers: MedGen C3463992, MONDO:0010632, OMIM 308350. Disease mechanism: loss of function.
Intellectual disability, X-linked, with or without seizures, ARX-related. Also called: MENTAL RETARDATION, X-LINKED 29; MENTAL RETARDATION, X-LINKED 32; MENTAL RETARDATION, X-LINKED 33; MENTAL RETARDATION, X-LINKED 38; MENTAL RETARDATION, X-LINKED 43; MENTAL RETARDATION, X-LINKED 76. Identifiers: Orphanet 777, MedGen C0796244, MONDO:0010317, OMIM 300419.

Allele frequency attached by ClinVar (database versions not stated): gnomAD exomes below 0.00001.
gnomAD v4.1: 2 of 1,177,120 alleles (0.00017%); highest among the groups gnomAD compares: East Asian, 0.0031%; no homozygotes.

Submissions (2):

Labcorp Genetics (formerly Invitae), Labcorp
Classification: Likely benign for Developmental and epileptic encephalopathy, 1; Intellectual disability, X-linked, with or without seizures, ARX-related. Last evaluated: 2024-08-14. Review status: criteria provided, single submitter. Criteria: Invitae Variant Classification Sherloc (09022015). Collection method: clinical testing. Allele origin: germline.

GeneDx
Classification: Likely benign. Last evaluated: 2017-08-07. Review status: criteria provided, single submitter. Criteria: GeneDx Variant Classification (06012015). Collection method: clinical testing. Allele origin: germline. Affected: yes.
Comment: This variant is considered likely benign or benign based on one or more of the following criteria: it is a conservative change, it occurs at a poorly conserved position in the protein, it is predicted to be benign by multiple in silico algorithms, and/or has population frequency not consistent with disease.

NM_139058.3(ARX):c.1533A>G (p.Ala511=)

Gene: ARX (aristaless related homeobox; minus strand). Cytogenetic location: Xp21.3.
Variant type: single nucleotide variant.
Coding change: c.1533A>G on transcript NM_139058.3 (MANE Select); coding-DNA position 1533, A replaced by G.
Protein change: p.Ala511=; no amino-acid change (alanine 511 retained).
Molecular consequence: synonymous variant.
Genome position (GRCh38, 1-based): chrX:25,004,826, T>C on the plus strand (A>G on the coding strand, the complement: ARX is on the minus strand). VCF-style: chrX-25004826-T-C. GRCh37 (hg19) VCF-style: chrX-25022943-T-C.
Identifiers: ClinVar variation 511201 (VCV000511201.6), dbSNP rs1556046751, ClinGen allele CA515748099.